The following is an entry in ClinVar:

ClinVar aggregate classification (germline): Uncertain significance. Review status: criteria provided, multiple submitters, no conflicts (2 of 4 stars). 4 submissions from 4 submitters: Uncertain significance (4). Last evaluated 2025-11-25.

Conditions:
Hereditary cancer-predisposing syndrome. Also called: Neoplastic Syndromes, Hereditary; Hereditary neoplastic syndrome; Tumor predisposition; Hereditary Cancer Syndrome. Identifiers: Orphanet 140162, MedGen C0027672, MeSH D009386, MONDO:0015356.
Multiple endocrine neoplasia type 4. Also called: MULTIPLE ENDOCRINE NEOPLASIA, TYPE IV. Identifiers: Orphanet 276152, MedGen C1970712, MONDO:0012552, OMIM 610755.

Allele frequency attached by ClinVar (database versions not stated): gnomAD 0.00002; TOPMed 0.00003.
gnomAD v4.1: 6 of 1,613,858 alleles (0.00037%); highest among the groups gnomAD compares: African/African-American, 0.0067%; no homozygotes.

Submissions (4):

Ambry Genetics
Classification: Uncertain significance for Hereditary cancer-predisposing syndrome. Last evaluated: 2025-11-25. Review status: criteria provided, single submitter. Criteria: Ambry Variant Classification Scheme 2023. Collection method: clinical testing. Allele origin: germline.
Comment: The p.Q163K variant (also known as c.487C>A), located in coding exon 2 of the CDKN1B gene, results from a C to A substitution at nucleotide position 487. The glutamine at codon 163 is replaced by lysine, an amino acid with similar properties. This amino acid position is conserved. In addition, this alteration is predicted to be tolerated by in silico analysis. Since supporting evidence is limited at this time, the clinical significance of this alteration remains unclear.

Labcorp Genetics (formerly Invitae), Labcorp
Classification: Uncertain significance for Multiple endocrine neoplasia type 4. Last evaluated: 2024-07-19. Review status: criteria provided, single submitter. Criteria: Invitae Variant Classification Sherloc (09022015). Collection method: clinical testing. Allele origin: germline.
Comment: This sequence change replaces glutamine, which is neutral and polar, with lysine, which is basic and polar, at codon 163 of the CDKN1B protein (p.Gln163Lys). This variant is not present in population databases (gnomAD no frequency). This variant has not been reported in the literature in individuals affected with CDKN1B-related conditions. ClinVar contains an entry for this variant (Variation ID: 1945202). An algorithm developed to predict the effect of missense changes on protein structure and function (PolyPhen-2) suggests that this variant is likely to be tolerated. In summary, the available evidence is currently insufficient to determine the role of this variant in disease. Therefore, it has been classified as a Variant of Uncertain Significance.

Baylor Genetics
Classification: Uncertain significance for Multiple endocrine neoplasia type 4. Last evaluated: 2024-01-17. Review status: criteria provided, single submitter. Criteria: ACMG Guidelines, 2015. Collection method: clinical testing. Allele origin: unknown.

GeneDx
Classification: Uncertain significance. Last evaluated: 2024-01-09. Review status: criteria provided, single submitter. Criteria: GeneDx Variant Classification Process June 2021. Collection method: clinical testing. Allele origin: germline. Affected: yes.
Comment: Not observed at significant frequency in large population cohorts (gnomAD); In silico analysis supports that this missense variant does not alter protein structure/function; Has not been previously published as pathogenic or benign to our knowledge

NM_004064.5(CDKN1B):c.487C>A (p.Gln163Lys)

Gene: CDKN1B (cyclin dependent kinase inhibitor 1B; plus strand). Cytogenetic location: 12p13.1.
Variant type: single nucleotide variant.
Coding change: c.487C>A on transcript NM_004064.5 (MANE Select); coding-DNA position 487, C replaced by A.
Protein change: p.Gln163Lys; replaces glutamine 163 with lysine.
Molecular consequence: missense variant.
Genome position (GRCh38, 1-based): chr12:12,718,836, C>A. VCF-style: chr12-12718836-C-A. GRCh37 (hg19) VCF-style: chr12-12871770-C-A.
Other names: c.487C>A (NM_004064.3, NM_004064.4); short protein forms Q163K.
Identifiers: ClinVar variation 1945202 (VCV001945202.9), dbSNP rs1202861028, ClinGen allele CA383972586.